The following is an entry in ClinVar:

NM_018124.4(RFWD3):c.2146G>A (p.Val716Met)

Gene: RFWD3 (ring finger and WD repeat domain 3; minus strand). Cytogenetic location: 16q23.1.
Variant type: single nucleotide variant.
Coding change: c.2146G>A on transcript NM_018124.4 (MANE Select); coding-DNA position 2146, G replaced by A.
Protein change: p.Val716Met; replaces valine 716 with methionine.
Molecular consequence: missense variant.
Genome position (GRCh38, 1-based): chr16:74,626,378, C>T on the plus strand (G>A on the coding strand, the complement: RFWD3 is on the minus strand). VCF-style: chr16-74626378-C-T. GRCh37 (hg19) VCF-style: chr16-74660276-C-T.
Other names: c.2146G>A, p.Val716Met (NM_001370534.1, NM_001370535.1); c.1969G>A, p.Val657Met (NM_001370536.1); c.1312G>A, p.Val438Met (NM_001370537.1, NM_001370539.1, NM_001370540.1 and 3 more transcripts); short protein forms V438M, V716M, V657M.
Identifiers: ClinVar variation 2117718 (VCV002117718.5), dbSNP rs1958931902, ClinGen allele CA396759232.

ClinVar aggregate classification (germline): Uncertain significance. Review status: criteria provided, multiple submitters, no conflicts (2 of 4 stars). 2 submissions from 2 submitters: Uncertain significance (2). Last evaluated 2022-12-01.

Allele frequency attached by ClinVar (database versions not stated): gnomAD exomes 0.00001; gnomAD 0.00002; TOPMed 0.00003.
gnomAD v4.1: 13 of 1,614,060 alleles (0.00081%); highest among the groups gnomAD compares: African/African-American, 0.0027%; no homozygotes.

Submissions (2):

Ambry Genetics
Classification: Uncertain significance. Last evaluated: 2022-12-01. Review status: criteria provided, single submitter. Criteria: Ambry Variant Classification Scheme 2023. Collection method: clinical testing. Allele origin: germline.

Labcorp Genetics (formerly Invitae), Labcorp
Classification: Uncertain significance. Last evaluated: 2022-10-25. Review status: criteria provided, single submitter. Criteria: Invitae Variant Classification Sherloc (09022015). Collection method: clinical testing. Allele origin: germline.
Comment: This sequence change replaces valine, which is neutral and non-polar, with methionine, which is neutral and non-polar, at codon 716 of the RFWD3 protein (p.Val716Met). In summary, the available evidence is currently insufficient to determine the role of this variant in disease. Therefore, it has been classified as a Variant of Uncertain Significance. Algorithms developed to predict the effect of missense changes on protein structure and function are either unavailable or do not agree on the potential impact of this missense change (SIFT: "Deleterious"; PolyPhen-2: "Probably Damaging"; Align-GVGD: "Class C15"). This variant has not been reported in the literature in individuals affected with RFWD3-related conditions. This variant is not present in population databases (gnomAD no frequency).